The following is an entry in ClinVar:

NM_015978.3(TNNI3K):c.677C>A (p.Ala226Glu)

Genes: FPGT-TNNI3K (FPGT-TNNI3K readthrough; plus strand), TNNI3K (TNNI3 interacting kinase; plus strand). Cytogenetic location: 1p31.1.
Variant type: single nucleotide variant.
Coding change: c.677C>A on transcript NM_015978.3 (MANE Select); coding-DNA position 677, C replaced by A.
Protein change: p.Ala226Glu; replaces alanine 226 with glutamic acid.
Molecular consequence: missense variant.
Genome position (GRCh38, 1-based): chr1:74,336,144, C>A. VCF-style: chr1-74336144-C-A. GRCh37 (hg19) VCF-style: chr1-74801828-C-A.
Other names: c.980C>A, p.Ala327Glu (NM_001112808.3, NM_001199327.2); short protein forms A327E, A226E.
Identifiers: ClinVar variation 2751291 (VCV002751291.3), dbSNP rs2524333310, ClinGen allele CA340780758.

ClinVar aggregate classification (germline): Uncertain significance (1 of 4 stars; one submission).

Allele frequency attached by ClinVar (database versions not stated): gnomAD exomes 0.00001.
gnomAD v4.1: 3 of 1,600,434 alleles (0.00019%); highest among the groups gnomAD compares: South Asian, 0.0011%; no homozygotes.

Submission:

Labcorp Genetics (formerly Invitae), Labcorp
Classification: Uncertain significance. Last evaluated: 2023-10-22. Review status: criteria provided, single submitter. Criteria: Invitae Variant Classification Sherloc (09022015). Collection method: clinical testing. Allele origin: germline.
Comment: This sequence change replaces alanine, which is neutral and non-polar, with glutamic acid, which is acidic and polar, at codon 226 of the TNNI3K protein (p.Ala226Glu). This variant is not present in population databases (gnomAD no frequency). This variant has not been reported in the literature in individuals affected with TNNI3K-related conditions. Advanced modeling of protein sequence and biophysical properties (such as structural, functional, and spatial information, amino acid conservation, physicochemical variation, residue mobility, and thermodynamic stability) performed at Invitae indicates that this missense variant is not expected to disrupt TNNI3K protein function. In summary, the available evidence is currently insufficient to determine the role of this variant in disease. Therefore, it has been classified as a Variant of Uncertain Significance.